The following is an entry in ClinVar:

NM_000384.3(APOB):c.8226G>A (p.Gln2742=)

Gene: APOB (apolipoprotein B; minus strand). Cytogenetic location: 2p24.1.
Variant type: single nucleotide variant.
Coding change: c.8226G>A on transcript NM_000384.3 (MANE Select); coding-DNA position 8226, G replaced by A.
Protein change: p.Gln2742=; no amino-acid change (glutamine 2742 retained).
Molecular consequence: synonymous variant.
Genome position (GRCh38, 1-based): chr2:21,008,642, C>T on the plus strand (G>A on the coding strand, the complement: APOB is on the minus strand). VCF-style: chr2-21008642-C-T. GRCh37 (hg19) VCF-style: chr2-21231514-C-T.
Identifiers: ClinVar variation 630607 (VCV000630607.18), dbSNP rs376773500, ClinGen allele CA065421.
Genomic context (GRCh38, chr2:21,008,642, plus strand): 5'-CAGAATACTGTATAGCTTGCCAAAAGTAGGTACTTCAATTGTGTGTGAGATGTGGGGAAG[C>T]TGGAATTCTGGTATGTGAAGGTCAGGAACTTGAAAATCATTAAGGTTGAGAGTTGGGATT-3'
Protein context (NP_000375.3, residues 2732-2752): QVPDLHIPEF[Gln2742=]LPHISHTIEV

ClinVar aggregate classification (germline): Likely benign. Review status: criteria provided, multiple submitters, no conflicts (2 of 4 stars). 4 submissions from 4 submitters: Likely benign (3). 1 of the submissions does not count toward it. Last evaluated 2025-10-17.

Conditions:
Cardiovascular phenotype. Identifiers: MedGen CN230736.
Hypercholesterolemia, autosomal dominant, type B (FHCL2). Also called: APOB-Related Familial Hypercholesterolemia, Autosomal Dominant; Hyperlipoproteinemia Type IIb; Familial Hypercholesterolemia Type B; APOLIPOPROTEIN B-100, FAMILIAL DEFECTIVE; APOLIPOPROTEIN B-100, FAMILIAL LIGAND-DEFECTIVE; Familial hypercholesterolemia 2. Identifiers: MedGen C1704417, MONDO:0007751, OMIM 144010.
Familial hypobetalipoproteinemia 1. Also called: APOB-Related Familial Hypobetalipoproteinemia; Hypobetalipoproteinemia, normotriglyceridemic; Acanthocytosis with hypobetalipoproteinemia. Identifiers: MedGen C4551990, MONDO:0014252, OMIM 615558.
Familial hypercholesterolemia. Also called: Familial hypercholesterolemias; Familial hypercholesterolaemia. Identifiers: MedGen C0020445, MONDO:0005439.
APOB-related disorder. Also called: APOB-related disorders; APOB-related condition.

Allele frequency attached by ClinVar (database versions not stated): TOPMed 0.00005; ESP Exome Variant Server 0.00008.
gnomAD v4.1: 171 of 1,613,902 alleles (0.011%); highest among the groups gnomAD compares: Non-Finnish European, 0.014%; no homozygotes.

Submissions (4):

Labcorp Genetics (formerly Invitae), Labcorp
Classification: Likely benign for Familial hypobetalipoproteinemia 1; Hypercholesterolemia, autosomal dominant, type B. Last evaluated: 2025-10-17. Review status: criteria provided, single submitter. Criteria: Invitae Variant Classification Sherloc (09022015). Collection method: clinical testing. Allele origin: germline.

GENinCode PLC
Classification: Likely benign for Familial hypercholesterolemia. Last evaluated: 2024-04-11. Review status: criteria provided, single submitter. Criteria: ACMG Guidelines, 2015. Collection method: clinical testing. Allele origin: germline.
Comment: This is a synonymous (silent) variant that is not predicted by SpliceAI to impact splicing. In addition, it occurs at a nucleotide that is not conserved. Therefore this variant has been classified as Likely Benign (BP4, BP7).

Ambry Genetics
Classification: Likely benign for Cardiovascular phenotype. Last evaluated: 2022-07-08. Review status: criteria provided, single submitter. Criteria: Ambry Variant Classification Scheme 2023. Collection method: clinical testing. Allele origin: germline.

PreventionGenetics, part of Exact Sciences
Classification: Likely benign for APOB-related condition. Last evaluated: 2019-05-02. Review status: no assertion criteria provided. Collection method: clinical testing. Allele origin: germline. Not counted in ClinVar's aggregate classification.
Comment: This variant is classified as likely benign based on ACMG/AMP sequence variant interpretation guidelines (Richards et al. 2015 PMID: 25741868, with internal and published modifications).